The following is an entry in ClinVar:

ClinVar aggregate classification (germline): Uncertain significance. Review status: criteria provided, multiple submitters, no conflicts (2 of 4 stars). 3 submissions from 3 submitters: Uncertain significance (3). Last evaluated 2026-01-12.

Conditions:
Inborn genetic diseases. Identifiers: MedGen C0950123, MeSH D030342.

Allele frequency attached by ClinVar (database versions not stated): ESP Exome Variant Server 0.00008.
gnomAD v4.1: 33 of 1,612,728 alleles (0.002%); highest among the groups gnomAD compares: Non-Finnish European, 0.0024%; no homozygotes.

Submissions (3):

Labcorp Genetics (formerly Invitae), Labcorp
Classification: Uncertain significance. Last evaluated: 2026-01-12. Review status: criteria provided, single submitter. Criteria: Invitae Variant Classification Sherloc (09022015). Collection method: clinical testing. Allele origin: germline.
Comment: This sequence change replaces methionine, which is neutral and non-polar, with isoleucine, which is neutral and non-polar, at codon 324 of the MFF protein (p.Met324Ile). This variant is present in population databases (rs148514577, gnomAD 0.004%). This variant has not been reported in the literature in individuals affected with MFF-related conditions. ClinVar contains an entry for this variant (Variation ID: 2151139). An algorithm developed to predict the effect of missense changes on protein structure and function (PolyPhen-2) suggests that this variant is likely to be tolerated. In summary, the available evidence is currently insufficient to determine the role of this variant in disease. Therefore, it has been classified as a Variant of Uncertain Significance.

GeneDx
Classification: Uncertain significance. Last evaluated: 2023-12-21. Review status: criteria provided, single submitter. Criteria: GeneDx Variant Classification Process June 2021. Collection method: clinical testing. Allele origin: germline. Affected: yes.
Comment: Not observed at significant frequency in large population cohorts (gnomAD); In silico analysis supports that this missense variant does not alter protein structure/function; Has not been previously published as pathogenic or benign to our knowledge

Ambry Genetics
Classification: Uncertain significance for Inborn genetic diseases. Last evaluated: 2022-06-10. Review status: criteria provided, single submitter. Criteria: Ambry Variant Classification Scheme 2023. Collection method: clinical testing. Allele origin: germline.

NM_001277062.2(MFF):c.819G>T (p.Met273Ile)

Gene: MFF (mitochondrial fission factor; plus strand). Cytogenetic location: 2q36.3.
Variant type: single nucleotide variant.
Coding change: c.819G>T on transcript NM_001277062.2 (MANE Select); coding-DNA position 819, G replaced by T.
Protein change: p.Met273Ile; replaces methionine 273 with isoleucine.
Molecular consequence: missense variant. On other transcripts: non-coding transcript variant (1).
Genome position (GRCh38, 1-based): chr2:227,357,060, G>T. VCF-style: chr2-227357060-G-T. GRCh37 (hg19) VCF-style: chr2-228221776-G-T.
Other names: c.972G>T, p.Met324Ile (NM_001277061.2, NM_020194.5); c.675G>T, p.Met225Ile (NM_001277063.2); c.660G>T, p.Met220Ile (NM_001277064.2); c.600G>T, p.Met200Ile (NM_001277065.2, NM_001277066.2); c.609G>T, p.Met203Ile (NM_001277067.1); c.702G>T, p.Met234Ile (NM_001277068.1); c.972G>T (NM_020194.4); short protein forms M234I, M273I, M324I, M225I, M200I, M203I, M220I.
Identifiers: ClinVar variation 2151139 (VCV002151139.6), dbSNP rs148514577, ClinGen allele CA2148103.